The following is an entry in ClinVar:

ClinVar aggregate classification (germline): Uncertain significance (1 of 4 stars; one submission).

Conditions:
Hereditary cancer-predisposing syndrome. Also called: Tumor predisposition; Hereditary Cancer Syndrome; Hereditary neoplastic syndrome; Neoplastic Syndromes, Hereditary. Identifiers: Orphanet 140162, MedGen C0027672, MeSH D009386, MONDO:0015356.

Submission:

Ambry Genetics
Classification: Uncertain significance for Hereditary cancer-predisposing syndrome. Last evaluated: 2024-06-13. Review status: criteria provided, single submitter. Criteria: Ambry Variant Classification Scheme 2023. Collection method: clinical testing. Allele origin: germline.
Comment: The p.S1398C variant (also known as c.4192A>T), located in coding exon 15 of the APC gene, results from an A to T substitution at nucleotide position 4192. The serine at codon 1398 is replaced by cysteine, an amino acid with dissimilar properties. This amino acid position is conserved. In addition, in silico predictors for this gene do not accurately predict pathogenicity. Based on the available evidence, the clinical significance of this variant remains unclear.

NM_000038.6(APC):c.4192A>T (p.Ser1398Cys)

Gene: APC (APC regulator of Wnt signaling pathway; plus strand). Cytogenetic location: 5q22.2.
Variant type: single nucleotide variant.
Coding change: c.4192A>T on transcript NM_000038.6 (MANE Select); coding-DNA position 4192, A replaced by T.
Protein change: p.Ser1398Cys; replaces serine 1398 with cysteine.
Molecular consequence: missense variant. On other transcripts: non-coding transcript variant (2).
Genome position (GRCh38, 1-based): chr5:112,839,786, A>T. VCF-style: chr5-112839786-A-T. GRCh37 (hg19) VCF-style: chr5-112175483-A-T.
Other names: c.4192A>T, p.Ser1398Cys (NM_001127510.3, NM_001354895.2, NM_001407450.1); c.4138A>T, p.Ser1380Cys (NM_001127511.3); c.4246A>T, p.Ser1416Cys (NM_001354896.2, NM_001407447.1, NM_001407448.1 and 1 more transcripts); c.4222A>T, p.Ser1408Cys (NM_001354897.2); c.4117A>T, p.Ser1373Cys (NM_001354898.2); c.4108A>T, p.Ser1370Cys (NM_001354899.2); c.4069A>T, p.Ser1357Cys (NM_001354900.2); c.4015A>T, p.Ser1339Cys (NM_001354901.2, NM_001407453.1); and 11 more; short protein forms S1014C, S1339C, S1380C, S1398C, S1272C, S1357C, S1370C, S1416C.
Identifiers: ClinVar variation 3305852 (VCV003305852.1).